The following is an entry in ClinVar:

ClinVar aggregate classification (germline): Uncertain significance. Review status: criteria provided, multiple submitters, no conflicts (2 of 4 stars). 2 submissions from 2 submitters: Uncertain significance (2). Last evaluated 2025-09-10.

Conditions:
Hereditary cancer-predisposing syndrome. Also called: Neoplastic Syndromes, Hereditary; Tumor predisposition; Hereditary Cancer Syndrome; Hereditary neoplastic syndrome. Identifiers: Orphanet 140162, MedGen C0027672, MeSH D009386, MONDO:0015356.

Submissions (2):

Labcorp Genetics (formerly Invitae), Labcorp
Classification: Uncertain significance. Last evaluated: 2025-09-10. Review status: criteria provided, single submitter. Criteria: Invitae Variant Classification Sherloc (09022015). Collection method: clinical testing. Allele origin: germline.
Comment: This sequence change replaces alanine, which is neutral and non-polar, with valine, which is neutral and non-polar, at codon 608 of the POLE protein (p.Ala608Val). This variant is not present in population databases (gnomAD no frequency). This variant has not been reported in the literature in individuals affected with POLE-related conditions. ClinVar contains an entry for this variant (Variation ID: 1780792). Invitae Evidence Modeling of protein sequence and biophysical properties (such as structural, functional, and spatial information, amino acid conservation, physicochemical variation, residue mobility, and thermodynamic stability) indicates that this missense variant is not expected to disrupt POLE protein function with a negative predictive value of 80%. In summary, the available evidence is currently insufficient to determine the role of this variant in disease. Therefore, it has been classified as a Variant of Uncertain Significance.

Ambry Genetics
Classification: Uncertain significance for Hereditary cancer-predisposing syndrome. Last evaluated: 2025-05-15. Review status: criteria provided, single submitter. Criteria: Ambry Variant Classification Scheme 2023. Collection method: clinical testing. Allele origin: germline.
Comment: The p.A608V variant (also known as c.1823C>T), located in coding exon 17 of the POLE gene, results from a C to T substitution at nucleotide position 1823. The alanine at codon 608 is replaced by valine, an amino acid with similar properties. This amino acid position is conserved. In addition, this alteration is predicted to be tolerated by in silico analysis. Since supporting evidence is limited at this time, the clinical significance of this alteration remains unclear.

NM_006231.4(POLE):c.1823C>T (p.Ala608Val)

Gene: POLE (DNA polymerase epsilon, catalytic subunit; minus strand). Cytogenetic location: 12q24.33.
Variant type: single nucleotide variant.
Coding change: c.1823C>T on transcript NM_006231.4 (MANE Select); coding-DNA position 1823, C replaced by T.
Protein change: p.Ala608Val; replaces alanine 608 with valine.
Molecular consequence: missense variant.
Genome position (GRCh38, 1-based): chr12:132,668,911, G>A on the plus strand (C>T on the coding strand, the complement: POLE is on the minus strand). VCF-style: chr12-132668911-G-A. GRCh37 (hg19) VCF-style: chr12-133245497-G-A.
Other names: short protein forms A608V.
Identifiers: ClinVar variation 1780792 (VCV001780792.8), dbSNP rs2135979708, ClinGen allele CA387355581.